The following is an entry in ClinVar:

NM_001037333.3(CYFIP2):c.1022C>G (p.Pro341Arg)

Gene: CYFIP2 (cytoplasmic FMR1 interacting protein 2; plus strand). Cytogenetic location: 5q33.3.
Variant type: single nucleotide variant.
Coding change: c.1022C>G on transcript NM_001037333.3 (MANE Select); coding-DNA position 1022, C replaced by G.
Protein change: p.Pro341Arg; replaces proline 341 with arginine.
Molecular consequence: missense variant.
Genome position (GRCh38, 1-based): chr5:157,311,693, C>G. VCF-style: chr5-157311693-C-G. GRCh37 (hg19) VCF-style: chr5-156738701-C-G.
Other names: c.944C>G, p.Pro315Arg (NM_001291721.2); c.1022C>G, p.Pro341Arg (NM_001291722.2, NM_014376.4); short protein forms P341R, P315R.
Identifiers: ClinVar variation 2766834 (VCV002766834.3), dbSNP rs1438922382, ClinGen allele CA361967975.

ClinVar aggregate classification (germline): Uncertain significance (1 of 4 stars; one submission).

Allele frequency attached by ClinVar (database versions not stated): TOPMed below 0.00001; gnomAD exomes 0.00001.
gnomAD v4.1: 7 of 1,610,830 alleles (0.00043%); highest among the groups gnomAD compares: Non-Finnish European, 0.00059%; no homozygotes.

Submission:

Labcorp Genetics (formerly Invitae), Labcorp
Classification: Uncertain significance. Last evaluated: 2025-09-08. Review status: criteria provided, single submitter. Criteria: Invitae Variant Classification Sherloc (09022015). Collection method: clinical testing. Allele origin: germline.
Comment: This sequence change replaces proline, which is neutral and non-polar, with arginine, which is basic and polar, at codon 341 of the CYFIP2 protein (p.Pro341Arg). This variant is not present in population databases (gnomAD no frequency). This variant has not been reported in the literature in individuals affected with CYFIP2-related conditions. ClinVar contains an entry for this variant (Variation ID: 2766834). Experimental studies and prediction algorithms are not available or were not evaluated, and the functional significance of this variant is currently unknown. In summary, the available evidence is currently insufficient to determine the role of this variant in disease. Therefore, it has been classified as a Variant of Uncertain Significance.